The following is an entry in ClinVar:

ClinVar aggregate classification (germline): Pathogenic/Likely pathogenic. Review status: criteria provided, multiple submitters, no conflicts (2 of 4 stars). 2 submissions from 2 submitters: Pathogenic (1); Likely pathogenic (1). Last evaluated 2024-09-22.

Submissions (2):

Revvity Omics, Revvity
Classification: Likely pathogenic. Last evaluated: 2024-09-22. Review status: criteria provided, single submitter. Criteria: ACMG Guidelines, 2015. Collection method: clinical testing. Allele origin: germline.

Labcorp Genetics (formerly Invitae), Labcorp
Classification: Pathogenic. Last evaluated: 2024-06-25. Review status: criteria provided, single submitter. Criteria: Invitae Variant Classification Sherloc (09022015). Collection method: clinical testing. Allele origin: germline.
Comment: This sequence change creates a premature translational stop signal (p.Arg1576Glyfs*5) in the SPTB gene. It is expected to result in an absent or disrupted protein product. Loss-of-function variants in SPTB are known to be pathogenic (PMID: 1391962, 1498324, 8844207, 26830532, 27292444). This variant is not present in population databases (gnomAD no frequency). This variant has not been reported in the literature in individuals affected with SPTB-related conditions. For these reasons, this variant has been classified as Pathogenic.

Literature cited by the submitters: PubMed 1391962 (cited by Labcorp Genetics (formerly Invitae), Labcorp); PubMed 1498324 (cited by Labcorp Genetics (formerly Invitae), Labcorp); PubMed 8844207 (cited by Labcorp Genetics (formerly Invitae), Labcorp); PubMed 26830532 (cited by Labcorp Genetics (formerly Invitae), Labcorp); PubMed 27292444 (cited by Labcorp Genetics (formerly Invitae), Labcorp).

NM_001355436.2(SPTB):c.4722del (p.Arg1576fs)

Gene: SPTB (spectrin beta, erythrocytic; minus strand). Cytogenetic location: 14q23.3.
Variant type: Deletion.
Coding change: c.4722del on transcript NM_001355436.2 (MANE Select); coding-DNA position 4722, one base deleted (C; older notation c.4722delC).
Protein change: p.Arg1576fs; shifts the reading frame from arginine 1576.
Molecular consequence: frameshift variant.
Genome position (GRCh38, 1-based): chr14:64,775,245, G deleted on the plus strand (C on the coding strand, the reverse complement: SPTB is on the minus strand); the first of 2 consecutive G bases (chr14:64,775,245-64,775,246); deleting either gives the same sequence. VCF-style (leftmost placement, unchanged base first): chr14-64775244-CG-C. GRCh37 (hg19) VCF-style: chr14-65241962-CG-C.
Other names: c.4722del, p.Arg1576fs (NM_001024858.4, NM_001355437.2); short protein forms R1576fs.
Identifiers: ClinVar variation 3657814 (VCV003657814.3).
Genomic context (GRCh38, chr14:64,775,244, plus strand): 5'-CGTCTGCATCCAGGTAGTACTGCTGTGCCTCGTTGGCGTCCCTCAGTCGCTGCAGCCTCC[CG>C]GCCGCTGCCTCCCGCAGCCTGTCCCAGGAGCTCTGCAGGTGCCCCAGGCGCTCCTCAAGG-3'